The following is an entry in ClinVar:

NM_001243279.3(ACSF3):c.1292C>A (p.Ser431Tyr)

Gene: ACSF3 (acyl-CoA synthetase family member 3; plus strand). Cytogenetic location: 16q24.3.
Variant type: single nucleotide variant.
Coding change: c.1292C>A on transcript NM_001243279.3 (MANE Select); coding-DNA position 1292, C replaced by A.
Protein change: p.Ser431Tyr; replaces serine 431 with tyrosine.
Molecular consequence: missense variant. On other transcripts: non-coding transcript variant (3).
Genome position (GRCh38, 1-based): chr16:89,133,188, C>A. VCF-style: chr16-89133188-C-A. GRCh37 (hg19) VCF-style: chr16-89199596-C-A.
Other names: c.1292C>A, p.Ser431Tyr (NM_001127214.4, NM_174917.5); c.497C>A, p.Ser166Tyr (NM_001284316.2); short protein forms S431Y, S166Y.
Identifiers: ClinVar variation 377317 (VCV000377317.4), dbSNP rs1057520194, ClinGen allele CA16603340.

ClinVar aggregate classification (germline): Uncertain significance. Review status: criteria provided, single submitter (1 of 4 stars). 2 submissions from 2 submitters: Uncertain significance (1). 1 of the submissions does not count toward it. Last evaluated 2016-10-10.

Conditions:
Combined malonic and methylmalonic acidemia. Identifiers: Orphanet 289504, MedGen C3280314, MONDO:0013661, OMIM 614265.

Submissions (2):

Center for Pediatric Genomic Medicine, Children's Mercy Hospital and Clinics
Classification: Uncertain significance. Last evaluated: 2016-10-10. Review status: criteria provided, single submitter. Criteria: ACMG Guidelines, 2015. Collection method: clinical testing. Allele origin: germline.
ClinVar note: Converted during submission from Uncertain Significance to Uncertain significance.

Natera, Inc.
Classification: Uncertain significance for Combined malonic and methylmalonic aciduria. Last evaluated: 2021-09-13. Review status: no assertion criteria provided. Collection method: clinical testing. Allele origin: germline. Not counted in ClinVar's aggregate classification.